The following is an entry in ClinVar:

NM_000493.4(COL10A1):c.499C>T (p.Pro167Ser)

Genes: COL10A1 (collagen type X alpha 1 chain; minus strand), NT5DC1 (5'-nucleotidase domain containing 1; plus strand). Cytogenetic location: 6q22.1.
Variant type: single nucleotide variant.
Coding change: c.499C>T on transcript NM_000493.4 (MANE Select); coding-DNA position 499, C replaced by T.
Protein change: p.Pro167Ser; replaces proline 167 with serine.
Molecular consequence: missense variant. On other transcripts: intron variant (1).
Genome position (GRCh38, 1-based): chr6:116,121,617, G>A on the plus strand (C>T on the coding strand, the complement: COL10A1 is on the minus strand). VCF-style: chr6-116121617-G-A. GRCh37 (hg19) VCF-style: chr6-116442780-G-A.
Other names: c.499C>T, p.Pro167Ser (NM_001424106.1, NM_001424107.1); c.529+3672G>A (NM_152729.3); short protein forms P167S.
Identifiers: ClinVar variation 2691662 (VCV002691662.1), dbSNP rs1457455695, ClinGen allele CA365395256.

ClinVar aggregate classification (germline): Uncertain significance (1 of 4 stars; one submission).

Allele frequency attached by ClinVar (database versions not stated): gnomAD exomes below 0.00001.
gnomAD v4.1: 3 of 1,613,922 alleles (0.00019%); highest among the groups gnomAD compares: South Asian, 0.0011%; no homozygotes.

Submission:

Women's Health and Genetics/Laboratory Corporation of America, LabCorp
Classification: Uncertain significance. Last evaluated: 2023-12-13. Review status: criteria provided, single submitter. Criteria: LabCorp Variant Classification Summary - May 2015. Collection method: clinical testing. Allele origin: germline.
Comment: Variant summary: COL10A1 c.499C>T (p.Pro167Ser) results in a non-conservative amino acid change in the encoded protein sequence. Three of five in-silico tools predict a benign effect of the variant on protein function. The variant allele was found at a frequency of 4e-06 in 251146 control chromosomes. The available data on variant occurrences in the general population are insufficient to allow any conclusion about variant significance. To our knowledge, no occurrence of c.499C>T in individuals affected with Metaphyseal Chondrodysplasia, Schmid Type and no experimental evidence demonstrating its impact on protein function have been reported. No submitters have cited clinical-significance assessments for this variant to ClinVar after 2014. Based on the evidence outlined above, the variant was classified as uncertain significance.